The following is an entry in ClinVar:

ClinVar aggregate classification (germline): Uncertain significance (1 of 4 stars; one submission).

Conditions:
Developmental and epileptic encephalopathy, 1 (DEE1). Also called: X-linked infantile spasms; West's syndrome; Tonic spasms with clustering, arrest of psychomotor development and hypsarrhythmia on EEG; X-Linked Infantile Spasm Syndrome; OHTAHARA SYNDROME, X-LINKED; INFANTILE SPASM SYNDROME, X-LINKED 1. Identifiers: MedGen C3463992, MONDO:0010632, OMIM 308350. Disease mechanism: loss of function.
Autosomal dominant nonsyndromic hearing loss 65. Also called: Deafness, autosomal dominant 65; TBC1D24-Related Autosomal Dominant Nonsyndromic Hearing Loss (DFNA). Identifiers: Orphanet 90635, MedGen C3892048, MONDO:0014470, OMIM 616044.

Submission:

Labcorp Genetics (formerly Invitae), Labcorp
Classification: Uncertain significance for Developmental and epileptic encephalopathy, 1; Autosomal dominant nonsyndromic hearing loss 65. Last evaluated: 2022-06-17. Review status: criteria provided, single submitter. Criteria: Invitae Variant Classification Sherloc (09022015). Collection method: clinical testing. Allele origin: germline.
Comment: In summary, the available evidence is currently insufficient to determine the role of this variant in disease. Therefore, it has been classified as a Variant of Uncertain Significance. Advanced modeling of protein sequence and biophysical properties (such as structural, functional, and spatial information, amino acid conservation, physicochemical variation, residue mobility, and thermodynamic stability) performed at Invitae indicates that this missense variant is expected to disrupt TBC1D24 protein function. This variant has not been reported in the literature in individuals affected with TBC1D24-related conditions. This variant is not present in population databases (gnomAD no frequency). This sequence change replaces tyrosine, which is neutral and polar, with asparagine, which is neutral and polar, at codon 241 of the TBC1D24 protein (p.Tyr241Asn).

NM_001199107.2(TBC1D24):c.721T>A (p.Tyr241Asn)

Gene: TBC1D24 (TBC1 domain family member 24; plus strand). Cytogenetic location: 16p13.3.
Variant type: single nucleotide variant.
Coding change: c.721T>A on transcript NM_001199107.2 (MANE Select); coding-DNA position 721, T replaced by A.
Protein change: p.Tyr241Asn; replaces tyrosine 241 with asparagine.
Molecular consequence: missense variant.
Genome position (GRCh38, 1-based): chr16:2,496,869, T>A. VCF-style: chr16-2496869-T-A. GRCh37 (hg19) VCF-style: chr16-2546870-T-A.
Other names: c.721T>A, p.Tyr241Asn (NM_020705.3); short protein forms Y241N.
Identifiers: ClinVar variation 2114910 (VCV002114910.4), dbSNP rs2505515781, ClinGen allele CA394377036.
Genomic context (GRCh38, chr16:2,496,869, plus strand): 5'-CCCCTCTGCTACTTCGCCCGGGTCTTTGACGTCTTCCTGGTGGAGGGCTACAAGGTGCTG[T>A]ACCGCGTGGCGCTGGCCATCCTCAAGTTCTTCCACAAGGTGAGGGCCGGGCAGCCGCTGG-3'
Protein context (NP_001186036.1, residues 231-251): VFLVEGYKVL[Tyr241Asn]RVALAILKFF